The following is an entry in ClinVar:

NM_001039958.2(MESP2):c.1050G>A (p.Val350=)

Gene: MESP2 (mesoderm posterior bHLH transcription factor 2; plus strand). Cytogenetic location: 15q26.1.
Variant type: single nucleotide variant.
Coding change: c.1050G>A on transcript NM_001039958.2 (MANE Select); coding-DNA position 1050, G replaced by A.
Protein change: p.Val350=; no amino-acid change (valine 350 retained).
Molecular consequence: synonymous variant.
Genome position (GRCh38, 1-based): chr15:89,778,190, G>A. VCF-style: chr15-89778190-G-A. GRCh37 (hg19) VCF-style: chr15-90321421-G-A.
Other names: c.1050G>A (NM_001039958.1).
Identifiers: ClinVar variation 2842471 (VCV002842471.5), dbSNP rs758115773, ClinGen allele CA7730583.

ClinVar aggregate classification (germline): Likely benign. Review status: criteria provided, single submitter (1 of 4 stars). 2 submissions from 2 submitters: Likely benign (1). 1 of the submissions does not count toward it. Last evaluated 2023-03-14.

Conditions:
MESP2-related disorder. Also called: MESP2-related condition.

Allele frequency attached by ClinVar (database versions not stated): ExAC 0.00001; gnomAD 0.00001; gnomAD exomes 0.00001.

Submissions (2):

Labcorp Genetics (formerly Invitae), Labcorp
Classification: Likely benign. Last evaluated: 2023-03-14. Review status: criteria provided, single submitter. Criteria: Invitae Variant Classification Sherloc (09022015). Collection method: clinical testing. Allele origin: germline.

PreventionGenetics, part of Exact Sciences
Classification: Likely benign for MESP2-related condition. Last evaluated: 2019-02-23. Review status: no assertion criteria provided. Collection method: clinical testing. Allele origin: germline. Not counted in ClinVar's aggregate classification.
Comment: This variant is classified as likely benign based on ACMG/AMP sequence variant interpretation guidelines (Richards et al. 2015 PMID: 25741868, with internal and published modifications).